The following is an entry in ClinVar:

ClinVar aggregate classification (germline): Likely benign (1 of 4 stars; one submission).

Allele frequency attached by ClinVar (database versions not stated): gnomAD exomes 0.00004; ExAC 0.00005; gnomAD 0.00019 and 0.00021; TOPMed 0.00028; ESP Exome Variant Server 0.00038.
gnomAD v4.1: 71 of 1,613,740 alleles (0.0044%); highest among the groups gnomAD compares: African/African-American, 0.08%; no homozygotes.

Submission:

GeneDx
Classification: Likely benign. Last evaluated: 2015-10-08. Review status: criteria provided, single submitter. Criteria: GeneDx Variant Classification (06012015). Collection method: clinical testing. Allele origin: germline. Affected: yes.
Comment: This variant is considered likely benign or benign based on one or more of the following criteria: it is a conservative change, it occurs at a poorly conserved position in the protein, it is predicted to be benign by multiple in silico algorithms, and/or has population frequency not consistent with disease.

NM_006859.4(LIAS):c.-29C>T

Genes: LIAS (lipoic acid synthetase; plus strand), LOC112939935 (Sharpr-MPRA regulatory region 11886; plus strand). Cytogenetic location: 4p14.
Variant type: single nucleotide variant.
Coding change: c.-29C>T on transcript NM_006859.4 (MANE Select); 29 bases upstream of the start codon, C replaced by T.
Molecular consequence: 5 prime UTR variant.
Genome position (GRCh38, 1-based): chr4:39,459,089, C>T. VCF-style: chr4-39459089-C-T. GRCh37 (hg19) VCF-style: chr4-39460709-C-T.
Other names: c.-29C>T (NM_001278590.2, NM_001278591.2, NM_001278592.2 and 2 more transcripts).
Identifiers: ClinVar variation 378083 (VCV000378083.1), dbSNP rs368281946, ClinGen allele CA2894513.